The following is an entry in ClinVar:

ClinVar aggregate classification (germline): Likely benign (1 of 4 stars; one submission).

Allele frequency attached by ClinVar (database versions not stated): TOPMed 0.00014; gnomAD 0.00029; ExAC 0.00871; 1000 Genomes Project 30x 0.00109; 1000 Genomes Project 0.00120.
gnomAD v4.1: 629 of 1,421,752 alleles (0.044%); highest among the groups gnomAD compares: South Asian, 0.53%; 4 homozygotes.

Submission:

CeGaT Center for Human Genetics Tuebingen
Classification: Likely benign. Last evaluated: 2022-05-01. Review status: criteria provided, single submitter. Criteria: CeGaT Center For Human Genetics Tuebingen Variant Classification Criteria Version 2. Collection method: clinical testing. Allele origin: germline. Affected: yes. Observed: 1 variant allele.
Comment: RINL: BP4, BP7

NM_001195833.2(RINL):c.1164G>A (p.Gly388=)

Gene: RINL (Ras and Rab interactor like; minus strand). Cytogenetic location: 19q13.2.
Variant type: single nucleotide variant.
Coding change: c.1164G>A on transcript NM_001195833.2 (MANE Select); coding-DNA position 1164, G replaced by A.
Protein change: p.Gly388=; no amino-acid change (glycine 388 retained).
Molecular consequence: synonymous variant.
Genome position (GRCh38, 1-based): chr19:38,870,121, C>T on the plus strand (G>A on the coding strand, the complement: RINL is on the minus strand). VCF-style: chr19-38870121-C-T. GRCh37 (hg19) VCF-style: chr19-39360761-C-T.
Other names: c.822G>A, p.Gly274= (NM_198445.4).
Identifiers: ClinVar variation 2649823 (VCV002649823.24), dbSNP rs560514643, ClinGen allele CA9421216.